The following is an entry in ClinVar:

ClinVar aggregate classification (germline): Pathogenic (1 of 4 stars; one submission).

Conditions:
Familial focal epilepsy with variable foci (FPEVF). Identifiers: Orphanet 98820, MedGen C1858477, MONDO:0020310.

Submission:

Labcorp Genetics (formerly Invitae), Labcorp
Classification: Pathogenic for Familial focal epilepsy with variable foci. Last evaluated: 2023-04-20. Review status: criteria provided, single submitter. Criteria: Invitae Variant Classification Sherloc (09022015). Collection method: clinical testing. Allele origin: germline.
Comment: For these reasons, this variant has been classified as Pathogenic. This variant has not been reported in the literature in individuals affected with DEPDC5-related conditions. This variant is not present in population databases (gnomAD no frequency). This sequence change creates a premature translational stop signal (p.Tyr226Leufs*2) in the DEPDC5 gene. It is expected to result in an absent or disrupted protein product. Loss-of-function variants in DEPDC5 are known to be pathogenic (PMID: 23542697, 23542701).

Literature cited by the submitters: PubMed 23542697; PubMed 23542701.

NM_001242896.3(DEPDC5):c.674dup (p.Tyr226fs)

Gene: DEPDC5 (DEP domain containing 5, GATOR1 subcomplex subunit; plus strand). Cytogenetic location: 22q12.2.
Variant type: Duplication.
Coding change: c.674dup on transcript NM_001242896.3 (MANE Select); coding-DNA position 674, one base duplicated (T; older notation c.674dupT).
Protein change: p.Tyr226fs; shifts the reading frame from tyrosine 226.
Molecular consequence: frameshift variant. On other transcripts: non-coding transcript variant (5).
Genome position (GRCh38, 1-based): chr22:31,792,082, T duplicated; the last of 3 consecutive T bases (chr22:31,792,080-31,792,082); duplicating any one gives the same sequence. VCF-style (leftmost placement, unchanged base first): chr22-31792079-C-CT. GRCh37 (hg19) VCF-style: chr22-32188065-C-CT.
Other names: c.674dup, p.Tyr226fs (NM_001007188.4, NM_001136029.4, NM_001242897.2 and 7 more transcripts); c.590dup, p.Tyr198fs (NM_001369901.1, NM_001369902.1); short protein forms Y198fs, Y226fs.
Identifiers: ClinVar variation 2833237 (VCV002833237.3), dbSNP rs2518594478, ClinGen allele CA2656262403.
Genomic context (GRCh38, chr22:31,792,079, plus strand): 5'-CTACTCATGCTTAGGAGAAGAACTGTAGTCATGAAGTGACAGTGGTCCTGTTTTCTAGAA[C>CT]TTTCTATGATGCAAAATCTGTTGGTGAGTAACTATTTCTCTCCTACAGTTATGTTTTTGT-3'